The following is an entry in ClinVar:

NM_001009944.3(PKD1):c.9325_9330delinsGCGCCATCCCC (p.Ile3109fs)

Gene: PKD1 (polycystin 1, transient receptor potential channel interacting; minus strand). Cytogenetic location: 16p13.3.
Variant type: Indel.
Coding change: c.9325_9330delinsGCGCCATCCCC on transcript NM_001009944.3 (MANE Select); coding-DNA positions 9325 to 9330, ATCCCT replaced by GCGCCATCCCC.
Protein change: p.Ile3109fs; shifts the reading frame from isoleucine 3109.
Molecular consequence: frameshift variant.
Genome position (GRCh38, 1-based): chr16:2,102,128-2,102,133, AGGGAT replaced by GGGGATGGCGC on the plus strand (ATCCCT replaced by GCGCCATCCCC on the coding strand, the reverse complement: PKD1 is on the minus strand). VCF-style: chr16-2102128-AGGGAT-GGGGATGGCGC. GRCh37 (hg19) VCF-style: chr16-2152129-AGGGAT-GGGGATGGCGC.
Other names: c.9325_9330delinsGCGCCATCCCC, p.Ile3109fs (NM_000296.4); c.9325_9330delATCCCTinsGCGCCATCCCC, p.Ile3109Alafs (NM_001009944.2); short protein forms I3109fs.
Identifiers: ClinVar variation 3346464 (VCV003346464.1).

ClinVar aggregate classification (germline): Pathogenic (0 of 4 stars; one submission).

Conditions:
PKD1-related disorder. Also called: PKD1-related condition.

Submission:

PreventionGenetics, part of Exact Sciences
Classification: Pathogenic for PKD1-related condition. Last evaluated: 2024-07-27. Review status: no assertion criteria provided. Collection method: clinical testing. Allele origin: germline.
Comment: The PKD1 c.9325_9330delinsGCGCCATCCCC variant is predicted to result in a frameshift and premature protein termination (p.Ile3109Alafs*209). To our knowledge, this variant has not been reported in the literature or in a large population database, indicating this variant is rare. Frameshift variants in PKD1 are expected to be pathogenic. This variant is interpreted as pathogenic.